The following is an entry in ClinVar:

NM_000203.5(IDUA):c.655G>A (p.Gly219Arg)

Gene: IDUA (alpha-L-iduronidase; plus strand). Cytogenetic location: 4p16.3.
Variant type: single nucleotide variant.
Coding change: c.655G>A on transcript NM_000203.5 (MANE Select); coding-DNA position 655, G replaced by A.
Protein change: p.Gly219Arg; replaces glycine 219 with arginine.
Molecular consequence: missense variant. On other transcripts: non-coding transcript variant (1).
Genome position (GRCh38, 1-based): chr4:1,001,744, G>A. VCF-style: chr4-1001744-G-A. GRCh37 (hg19) VCF-style: chr4-995532-G-A.
Other names: c.259G>A, p.Gly87Arg (NM_001363576.1); short protein forms G219R, G87R.
Identifiers: ClinVar variation 2751959 (VCV002751959.3), dbSNP rs2534084817, ClinGen allele CA355962003.

ClinVar aggregate classification (germline): Likely pathogenic (1 of 4 stars; one submission).

Conditions:
Mucopolysaccharidosis type 1. Also called: IDUA deficiency; MPS I; Mucopolysaccharidosis Type I. Identifiers: Orphanet 579, MedGen C0023786, MONDO:0001586.

gnomAD v4.1: 1 of 1,598,520 alleles (0.000063%); highest among the groups gnomAD compares: Non-Finnish European, 0.000085%; no homozygotes.

Submission:

Labcorp Genetics (formerly Invitae), Labcorp
Classification: Likely pathogenic for Mucopolysaccharidosis type 1. Last evaluated: 2023-11-04. Review status: criteria provided, single submitter. Criteria: Invitae Variant Classification Sherloc (09022015). Collection method: clinical testing. Allele origin: germline.
Comment: This sequence change replaces glycine, which is neutral and non-polar, with arginine, which is basic and polar, at codon 219 of the IDUA protein (p.Gly219Arg). This variant is not present in population databases (gnomAD no frequency). This missense change has been observed in individual(s) with mucopolysaccharidosis type I (PMID: 36265282). Advanced modeling of protein sequence and biophysical properties (such as structural, functional, and spatial information, amino acid conservation, physicochemical variation, residue mobility, and thermodynamic stability) performed at Invitae indicates that this missense variant is expected to disrupt IDUA protein function with a positive predictive value of 80%. This variant disrupts the p.Gly219 amino acid residue in IDUA. Other variant(s) that disrupt this residue have been observed in individuals with IDUA-related conditions (PMID: 21394825), which suggests that this may be a clinically significant amino acid residue. In summary, the currently available evidence indicates that the variant is pathogenic, but additional data are needed to prove that conclusively. Therefore, this variant has been classified as Likely Pathogenic.

Literature cited by the submitters: PubMed 36265282; PubMed 21394825.